The following is an entry in ClinVar:

NM_001276345.2(TNNT2):c.818_819insACTCCGAAACAGGATCAACGT (p.Asn279_Asp280insValLeuArgAsnArgIleAsn)

Gene: TNNT2 (troponin T2, cardiac type; minus strand). Cytogenetic location: 1q32.1.
Variant type: Insertion.
Coding change: c.818_819insACTCCGAAACAGGATCAACGT on transcript NM_001276345.2 (MANE Select); coding-DNA positions 818 to 819, ACTCCGAAACAGGATCAACGT inserted.
Protein change: p.Asn279_Asp280insValLeuArgAsnArgIleAsn.
Molecular consequence: inframe insertion.
Genome position: GRCh38 VCF-style: chr1-201359655-A-AACGTTGATCCTGTTTCGGAGT. GRCh37 (hg19) VCF-style: chr1-201328783-A-AACGTTGATCCTGTTTCGGAGT.
Other names: c.809_810insACTCCGAAACAGGATCAACGT, p.Asn276_Asp277insValLeuArgAsnArgIleAsn (NM_000364.4, NM_001406723.1); c.788_789insACTCCGAAACAGGATCAACGT, p.Asn269_Asp270insValLeuArgAsnArgIleAsn (NM_001001430.3, NM_001276347.2, NM_001406724.1); c.779_780insACTCCGAAACAGGATCAACGT, p.Asn266_Asp267insValLeuArgAsnArgIleAsn (NM_001001431.3, NM_001406726.1, NM_001406727.1); c.770_771insACTCCGAAACAGGATCAACGT, p.Asn263_Asp264insValLeuArgAsnArgIleAsn (NM_001001432.3); c.689_690insACTCCGAAACAGGATCAACGT, p.Asn236_Asp237insValLeuArgAsnArgIleAsn (NM_001276346.2); c.785_786insACTCCGAAACAGGATCAACGT, p.Asn268_Asp269insValLeuArgAsnArgIleAsn (NM_001406725.1); c.773_774insACTCCGAAACAGGATCAACGT, p.Asn264_Asp265insValLeuArgAsnArgIleAsn (NM_001406728.1).
Identifiers: ClinVar variation 2945801 (VCV002945801.3), dbSNP rs2526891619, ClinGen allele CA2740090297.

ClinVar aggregate classification (germline): Uncertain significance (1 of 4 stars; one submission).

Conditions:
Hypertrophic cardiomyopathy 2. Also called: TNNT2-Related Familial Hypertrophic Cardiomyopathy. Identifiers: MedGen C1861864, MONDO:0007266, OMIM 115195.
Dilated cardiomyopathy 1D. Identifiers: Orphanet 154, Orphanet 54260, MedGen C1832243, MONDO:0011095, OMIM 601494.
Cardiomyopathy, familial restrictive, 3. Identifiers: Orphanet 75249, MedGen C2676271, MONDO:0012900, OMIM 612422.

Submission:

Labcorp Genetics (formerly Invitae), Labcorp
Classification: Uncertain significance for Cardiomyopathy, familial restrictive, 3; Hypertrophic cardiomyopathy 2; Dilated cardiomyopathy 1D. Last evaluated: 2023-03-31. Review status: criteria provided, single submitter. Criteria: Invitae Variant Classification Sherloc (09022015). Collection method: clinical testing. Allele origin: germline.
Comment: Algorithms developed to predict the effect of sequence changes on RNA splicing suggest that this variant may disrupt the consensus splice site. In summary, the available evidence is currently insufficient to determine the role of this variant in disease. Therefore, it has been classified as a Variant of Uncertain Significance. This variant has not been reported in the literature in individuals affected with TNNT2-related conditions. This variant is not present in population databases (gnomAD no frequency). This variant, c.788_789insACTCCGAAACAGGATCAACGT, results in the insertion of 7 amino acid(s) of the TNNT2 protein (p.Val263_Asn269dup), but otherwise preserves the integrity of the reading frame.